The following is an entry in ClinVar:

NM_000243.3(MEFV):c.2090A>T (p.Asn697Ile)

Genes: MEFV (MEFV innate immunity regulator, pyrin; minus strand), LOC126862264 (CDK7 strongly-dependent group 2 enhancer GRCh37_chr16:3293322-3294521; plus strand). Cytogenetic location: 16p13.3.
Variant type: single nucleotide variant.
Coding change: c.2090A>T on transcript NM_000243.3 (MANE Select); coding-DNA position 2090, A replaced by T.
Protein change: p.Asn697Ile; replaces asparagine 697 with isoleucine.
Molecular consequence: missense variant. On other transcripts: 3 prime UTR variant (1).
Genome position (GRCh38, 1-based): chr16:3,243,397, T>A on the plus strand (A>T on the coding strand, the complement: MEFV is on the minus strand). VCF-style: chr16-3243397-T-A. GRCh37 (hg19) VCF-style: chr16-3293397-T-A.
Other names: c.*294A>T (NM_001198536.2); short protein forms N697I.
Identifiers: ClinVar variation 1315595 (VCV001315595.2), dbSNP rs2141664836, ClinGen allele CA394486041.

ClinVar aggregate classification (germline): Uncertain significance (1 of 4 stars; one submission).

Submission:

GeneDx
Classification: Uncertain significance. Last evaluated: 2019-04-08. Review status: criteria provided, single submitter. Criteria: GeneDx Variant Classification Process June 2021. Collection method: clinical testing. Allele origin: germline. Affected: yes.
Comment: Not observed in large population cohorts (Lek et al., 2016); In silico analysis, which includes protein predictors and evolutionary conservation, supports a deleterious effect; Has not been previously published as pathogenic or benign to our knowledge